The following is an entry in ClinVar:

ClinVar aggregate classification (germline): Pathogenic. Review status: criteria provided, multiple submitters, no conflicts (2 of 4 stars). 2 submissions from 2 submitters: Pathogenic (2). Last evaluated 2024-03-14.

Conditions:
Charcot-Marie-Tooth disease type 4C (CMT4C). Also called: CHARCOT-MARIE-TOOTH DISEASE, DEMYELINATING, TYPE 4C; CMT 4C; CHARCOT-MARIE-TOOTH DISEASE, DEMYELINATING, AUTOSOMAL RECESSIVE, TYPE 4C; Charcot-Marie-Tooth Neuropathy Type 4C (CMT4C); SH3TC2-Related Hereditary Motor and Sensory Neuropathy. Identifiers: Orphanet 99949, MedGen C1866636, MONDO:0011113, OMIM 601596.

Submissions (2):

Genomic Medicine Center of Excellence, King Faisal Specialist Hospital and Research Centre
Classification: Pathogenic for Charcot-Marie-Tooth disease, type 4C. Last evaluated: 2024-03-14. Review status: criteria provided, single submitter. Criteria: ACMG Guidelines, 2015. Collection method: clinical testing. Allele origin: germline.

Baylor Genetics
Classification: Pathogenic for Charcot-Marie-Tooth disease type 4C. Last evaluated: 2019-09-19. Review status: criteria provided, single submitter. Criteria: ACMG Guidelines, 2015. Collection method: clinical testing. Allele origin: unknown. Affected: yes.
Comment: This variant was determined to be pathogenic according to ACMG Guidelines, 2015 [PMID:25741868].

NM_024577.4(SH3TC2):c.383T>G (p.Leu128Ter)

Gene: SH3TC2 (SH3 domain and tetratricopeptide repeats 2; minus strand). Cytogenetic location: 5q32.
Variant type: single nucleotide variant.
Coding change: c.383T>G on transcript NM_024577.4 (MANE Select); coding-DNA position 383, T replaced by G.
Protein change: p.Leu128Ter; replaces leucine 128 with a stop codon.
Molecular consequence: nonsense.
Genome position (GRCh38, 1-based): chr5:149,044,535, A>C on the plus strand (T>G on the coding strand, the complement: SH3TC2 is on the minus strand). VCF-style: chr5-149044535-A-C. GRCh37 (hg19) VCF-style: chr5-148424098-A-C.
Other names: short protein forms L128*.
Identifiers: ClinVar variation 1030852 (VCV001030852.2), dbSNP rs1754425628, ClinGen allele CA361676466.